The following is an entry in ClinVar:

NM_000702.4(ATP1A2):c.1327-12C>G

Gene: ATP1A2 (ATPase Na+/K+ transporting subunit alpha 2; plus strand). Cytogenetic location: 1q23.2.
Variant type: single nucleotide variant.
Coding change: c.1327-12C>G on transcript NM_000702.4 (MANE Select); 12 bases into the intron before coding-DNA position 1327, C replaced by G.
Molecular consequence: intron variant.
Genome position (GRCh38, 1-based): chr1:160,129,254, C>G. VCF-style: chr1-160129254-C-G. GRCh37 (hg19) VCF-style: chr1-160099044-C-G.
Identifiers: ClinVar variation 516647 (VCV000516647.5), dbSNP rs903572955, ClinGen allele CA31497069.

ClinVar aggregate classification (germline): Likely benign. Review status: criteria provided, multiple submitters, no conflicts (2 of 4 stars). 2 submissions from 2 submitters: Likely benign (2). Last evaluated 2025-10-10.

Conditions:
Familial hemiplegic migraine. Identifiers: MedGen C0338484, MONDO:0000700.

Allele frequency attached by ClinVar (database versions not stated): gnomAD exomes 0.00001; TOPMed 0.00002.
gnomAD v4.1: 4 of 1,614,188 alleles (0.00025%); highest among the groups gnomAD compares: Admixed American, 0.0067%; no homozygotes.

Submissions (2):

Labcorp Genetics (formerly Invitae), Labcorp
Classification: Likely benign for Familial hemiplegic migraine. Last evaluated: 2025-10-10. Review status: criteria provided, single submitter. Criteria: Invitae Variant Classification Sherloc (09022015). Collection method: clinical testing. Allele origin: germline.

GeneDx
Classification: Likely benign. Last evaluated: 2017-09-12. Review status: criteria provided, single submitter. Criteria: GeneDx Variant Classification (06012015). Collection method: clinical testing. Allele origin: germline. Affected: yes.
Comment: This variant is considered likely benign or benign based on one or more of the following criteria: it is a conservative change, it occurs at a poorly conserved position in the protein, it is predicted to be benign by multiple in silico algorithms, and/or has population frequency not consistent with disease.